The following is an entry in ClinVar:

NM_000352.6(ABCC8):c.3730A>G (p.Asn1244Asp)

Gene: ABCC8 (ATP binding cassette subfamily C member 8; minus strand). Cytogenetic location: 11p15.1.
Variant type: single nucleotide variant.
Coding change: c.3730A>G on transcript NM_000352.6 (MANE Select); coding-DNA position 3730, A replaced by G.
Protein change: p.Asn1244Asp; replaces asparagine 1244 with aspartic acid.
Molecular consequence: missense variant. On other transcripts: non-coding transcript variant (1).
Genome position (GRCh38, 1-based): chr11:17,398,362, T>C on the plus strand (A>G on the coding strand, the complement: ABCC8 is on the minus strand). VCF-style: chr11-17398362-T-C. GRCh37 (hg19) VCF-style: chr11-17419909-T-C.
Other names: c.3733A>G, p.Asn1245Asp (NM_001287174.3); c.3796A>G, p.Asn1266Asp (NM_001351295.2); c.3730A>G, p.Asn1244Asp (NM_001351296.2); c.3727A>G, p.Asn1243Asp (NM_001351297.2); short protein forms N1266D, N1243D, N1245D, N1244D.
Identifiers: ClinVar variation 3721004 (VCV003721004.2).

ClinVar aggregate classification (germline): Uncertain significance (1 of 4 stars; one submission).

gnomAD v4.1: 1 of 1,614,194 alleles (0.000062%); highest among the groups gnomAD compares: Non-Finnish European, 0.000085%; no homozygotes.

Submission:

Labcorp Genetics (formerly Invitae), Labcorp
Classification: Uncertain significance. Last evaluated: 2024-08-31. Review status: criteria provided, single submitter. Criteria: Invitae Variant Classification Sherloc (09022015). Collection method: clinical testing. Allele origin: germline.
Comment: This sequence change replaces asparagine, which is neutral and polar, with aspartic acid, which is acidic and polar, at codon 1244 of the ABCC8 protein (p.Asn1244Asp). This variant is not present in population databases (gnomAD no frequency). This missense change has been observed in individual(s) with ABCC8-related conditions (PMID: 21989597). This variant is also known as c.3733A>G (N1245D). Invitae Evidence Modeling of protein sequence and biophysical properties (such as structural, functional, and spatial information, amino acid conservation, physicochemical variation, residue mobility, and thermodynamic stability) has been performed for this missense variant. However, the output from this modeling did not meet the statistical confidence thresholds required to predict the impact of this variant on ABCC8 protein function. In summary, the available evidence is currently insufficient to determine the role of this variant in disease. Therefore, it has been classified as a Variant of Uncertain Significance.

Literature cited by the submitters: PubMed 21989597.